The following is an entry in ClinVar:

NM_018979.4(WNK1):c.5583+3A>G

Gene: WNK1 (WNK lysine deficient protein kinase 1; plus strand). Cytogenetic location: 12p13.33.
Variant type: single nucleotide variant.
Coding change: c.5583+3A>G on transcript NM_018979.4 (MANE Select); 3 bases into the intron after coding-DNA position 5583, A replaced by G.
Molecular consequence: intron variant.
Genome position (GRCh38, 1-based): chr12:894,638, A>G. VCF-style: chr12-894638-A-G. GRCh37 (hg19) VCF-style: chr12-1003804-A-G.
Other names: p.?; c.6363+3A>G (NM_001184985.1, NM_001184985.2); c.6339+3A>G (NM_213655.5); c.4839+3A>G (NM_014823.3).
Identifiers: ClinVar variation 306610 (VCV000306610.90), dbSNP rs72650758, ClinGen allele CA6383233.

ClinVar aggregate classification (germline): Benign/Likely benign. Review status: criteria provided, multiple submitters, no conflicts (2 of 4 stars). 10 submissions from 10 submitters: Benign (5); Likely benign (5). Last evaluated 2025-12-23.

Conditions:
Pseudohypoaldosteronism type 2C (PHA2C). Also called: Pseudohypoaldosteronism Type IIC. Identifiers: Orphanet 757, Orphanet 88940, MedGen C1840391, MONDO:0013778, OMIM 614492.
Neuropathy, hereditary sensory and autonomic, type 2A (HSAN2A). Also called: MORVAN DISEASE; NEUROPATHY, CONGENITAL SENSORY; NEUROPATHY, HEREDITARY SENSORY RADICULAR, AUTOSOMAL RECESSIVE; NEUROPATHY, HEREDITARY SENSORY, TYPE IIA; NEUROPATHY, PROGRESSIVE SENSORY, OF CHILDREN; ACROOSTEOLYSIS, GIACCAI TYPE. Identifiers: Orphanet 970, MedGen C2752089, MONDO:0024309, OMIM 201300.
WNK1-related disorder. Also called: WNK1-related condition.

Allele frequency attached by ClinVar (database versions not stated): gnomAD exomes 0.00031 and 0.00083; ExAC 0.00096; gnomAD 0.00252 and 0.00270; TOPMed 0.00276; 1000 Genomes Project 0.00319; ESP Exome Variant Server 0.00323; 1000 Genomes Project 30x 0.00359.
gnomAD v4.1: 854 of 1,613,742 alleles (0.053%); highest among the groups gnomAD compares: African/African-American, 0.87%; 6 homozygotes.

Submissions (10):

Labcorp Genetics (formerly Invitae), Labcorp
Classification: Benign for Neuropathy, hereditary sensory and autonomic, type 2A; Pseudohypoaldosteronism type 2C. Last evaluated: 2025-12-23. Review status: criteria provided, single submitter. Criteria: Invitae Variant Classification Sherloc (09022015). Collection method: clinical testing. Allele origin: germline.

Mayo Clinic Laboratories, Mayo Clinic
Classification: Benign. Last evaluated: 2025-08-27. Review status: criteria provided, single submitter. Criteria: ACMG Guidelines, 2015. Collection method: clinical testing. Allele origin: germline. Observed: 2 variant alleles.
Comment: BS1, BS2, BP4, BP7

Genomic Medicine Center of Excellence, King Faisal Specialist Hospital and Research Centre
Classification: Likely benign. Last evaluated: 2025-08-18. Review status: criteria provided, single submitter. Criteria: ACMG Guidelines, 2015. Collection method: clinical testing. Allele origin: germline.

PreventionGenetics, part of Exact Sciences
Classification: Benign for WNK1-related condition. Last evaluated: 2025-03-19. Review status: criteria provided, single submitter. Criteria: ACMG Guidelines, 2015. Collection method: clinical testing. Allele origin: germline.
Comment: This variant is classified as benign based on ACMG/AMP sequence variant interpretation guidelines (Richards et al. 2015 PMID: 25741868, with internal and published modifications).

Blueprint Genetics
Classification: Likely benign. Last evaluated: 2024-11-25. Review status: criteria provided, single submitter. Criteria: ACMG Guidelines, 2015. Collection method: clinical testing. Allele origin: germline.

ARUP Laboratories, Molecular Genetics and Genomics, ARUP Laboratories
Classification: Likely benign. Last evaluated: 2023-08-23. Review status: criteria provided, single submitter. Criteria: ARUP Molecular Germline Variant Investigation Process 2024. Collection method: clinical testing. Allele origin: germline.

CeGaT Center for Human Genetics Tuebingen
Classification: Likely benign. Last evaluated: 2022-09-01. Review status: criteria provided, single submitter. Criteria: CeGaT Center For Human Genetics Tuebingen Variant Classification Criteria Version 2. Collection method: clinical testing. Allele origin: germline. Affected: yes. Observed: 1 variant allele.
Comment: WNK1: BP4, BS1

Illumina Laboratory Services, Illumina
Classification: Benign for Pseudohypoaldosteronism type 2C. Last evaluated: 2018-01-13. Review status: criteria provided, single submitter. Criteria: ICSL Variant Classification Criteria 13 December 2019. Collection method: clinical testing. Allele origin: germline.
Comment: This variant was observed in the ICSL laboratory as part of a predisposition screen in an ostensibly healthy population. It had not been previously curated by ICSL or reported in the Human Gene Mutation Database (HGMD: prior to June 1st, 2018), and was therefore a candidate for classification through an automated scoring system. Utilizing variant allele frequency, disease prevalence and penetrance estimates, and inheritance mode, an automated score was calculated to assess if this variant is too frequent to cause the disease. Based on the score and internal cut-off values, a variant classified as benign is not then subjected to further curation. The score for this variant resulted in a classification of benign for this disease.

Eurofins Ntd Llc (ga)
Classification: Benign. Last evaluated: 2017-01-20. Review status: criteria provided, single submitter. Criteria: EGL Classification Definitions 2015. Collection method: clinical testing. Allele origin: germline. Observed: 1 variant allele, 1 heterozygote.

Breakthrough Genomics
Classification: Likely benign. Review status: criteria provided, single submitter. Criteria: ACMG Guidelines, 2015. Collection method: not provided. Allele origin: germline. Inheritance: Autosomal recessive inheritance. Affected: yes.